The following is an entry in ClinVar:

ClinVar aggregate classification (germline): Conflicting classifications of pathogenicity. Review status: criteria provided, conflicting classifications (1 of 4 stars). 3 submissions from 3 submitters: Likely pathogenic (1); Uncertain significance (2). Last evaluated 2025-12-01.

Conditions:
Medium-chain acyl-coenzyme A dehydrogenase deficiency (ACADMD). Also called: CARNITINE DEFICIENCY SECONDARY TO MEDIUM-CHAIN ACYL-CoA DEHYDROGENASE DEFICIENCY; Medium chain acyl-CoA dehydrogenase deficiency; MCAD Deficiency; ACADM DEFICIENCY; MCADH DEFICIENCY; MCADD. Identifiers: Orphanet 42, MedGen C0220710, MONDO:0008721, OMIM 201450.

Allele frequency attached by ClinVar (database versions not stated): gnomAD exomes below 0.00001.

Submissions (3):

Myriad Genetics, Inc.
Classification: Uncertain significance for Medium-chain acyl-coenzyme A dehydrogenase deficiency. Last evaluated: 2025-12-01. Review status: criteria provided, single submitter. Criteria: Myriad Autosomal Dominant, Autosomal Recessive and X-Linked Classification Criteria (2023). Collection method: clinical testing. Allele origin: unknown.
Comment: NM_000016.4(ACADM):c.721G>A(G241S) is a missense variant classified as a variant of uncertain significance in the context of medium-chain acyl-CoA dehydrogenase deficiency. G241S has been observed in a case with relevant disease (PMID: 25940036). Relevant functional assessments of this variant are not available in the literature. G241S has not been observed in referenced population frequency databases. In summary, there is insufficient evidence to classify NM_000016.4(ACADM):c.721G>A(G241S) as pathogenic or benign. Please note: this variant was assessed in the context of healthy population screening.

Women's Health and Genetics/Laboratory Corporation of America, LabCorp
Classification: Uncertain significance. Last evaluated: 2024-11-11. Review status: criteria provided, single submitter. Criteria: LabCorp Variant Classification Summary - May 2015. Collection method: clinical testing. Allele origin: germline.
Comment: Variant summary: ACADM c.721G>A (p.Gly241Ser) results in a non-conservative amino acid change in the encoded protein sequence. Five of five in-silico tools predict a damaging effect of the variant on protein function. The variant was absent in 251260 control chromosomes (gnomAD). The available data on variant occurrences in the general population are insufficient to allow any conclusion about variant significance. c.721G>A has been reported in the literature in an individual affected with Medium Chain Acyl-CoA Dehydrogenase Deficiency who was compound heterozygous with a pathogenic variant (Gramer_2015). These data do not allow any conclusion about variant significance. To our knowledge, no experimental evidence demonstrating an impact on protein function has been reported. The following publication has been ascertained in the context of this evaluation (PMID: 25940036). ClinVar contains an entry for this variant (Variation ID: 1500017). Based on the evidence outlined above, the variant was classified as uncertain significance.

Labcorp Genetics (formerly Invitae), Labcorp
Classification: Likely pathogenic for Medium-chain acyl-coenzyme A dehydrogenase deficiency. Last evaluated: 2024-02-14. Review status: criteria provided, single submitter. Criteria: Invitae Variant Classification Sherloc (09022015). Collection method: clinical testing. Allele origin: germline.
Comment: This sequence change replaces glycine, which is neutral and non-polar, with serine, which is neutral and polar, at codon 241 of the ACADM protein (p.Gly241Ser). This variant is not present in population databases (gnomAD no frequency). This missense change has been observed in individual(s) with clinical features of medium-chain acyl-coenzyme A dehydrogenase deficiency (PMID: 25940036). ClinVar contains an entry for this variant (Variation ID: 1500017). Advanced modeling of protein sequence and biophysical properties (such as structural, functional, and spatial information, amino acid conservation, physicochemical variation, residue mobility, and thermodynamic stability) performed at Invitae indicates that this missense variant is expected to disrupt ACADM protein function with a positive predictive value of 80%. In summary, the currently available evidence indicates that the variant is pathogenic, but additional data are needed to prove that conclusively. Therefore, this variant has been classified as Likely Pathogenic.

Literature cited by the submitters: PubMed 25940036 (cited by 3 submitters).

NM_000016.6(ACADM):c.721G>A (p.Gly241Ser)

Gene: ACADM (acyl-CoA dehydrogenase medium chain; plus strand). Cytogenetic location: 1p31.1.
Variant type: single nucleotide variant.
Coding change: c.721G>A on transcript NM_000016.6 (MANE Select); coding-DNA position 721, G replaced by A.
Protein change: p.Gly241Ser; replaces glycine 241 with serine.
Molecular consequence: missense variant.
Genome position (GRCh38, 1-based): chr1:75,749,431, G>A. VCF-style: chr1-75749431-G-A. GRCh37 (hg19) VCF-style: chr1-76215116-G-A.
Other names: c.733G>A, p.Gly245Ser (NM_001127328.3); c.613G>A, p.Gly205Ser (NM_001286042.2); c.820G>A, p.Gly274Ser (NM_001286043.2); c.154G>A, p.Gly52Ser (NM_001286044.2); short protein forms G52S, G205S, G241S, G245S, G274S.
Identifiers: ClinVar variation 1500017 (VCV001500017.10), dbSNP rs2100417374, ClinGen allele CA340816531.